The following is an entry in ClinVar:

NC_000023.11:g.[154030557_154030567del;154030627_154030670del;154030730_154030766del]

Variant type: Haplotype.
Identifiers: ClinVar variation 4857318 (VCV004857318.2).

ClinVar aggregate classification (germline): Pathogenic (1 of 4 stars; one submission).

Conditions:
Paediatric disorders.

Submission:

North West Genomic Laboratory Hub, Manchester University NHS Foundation Trust
Classification: Pathogenic for Paediatric disorders. Last evaluated: 2026-06-17. Review status: criteria provided, single submitter. Criteria: ACGS Best Practice Guidelines for Variant Classification in Rare Disease 2024. Collection method: clinical testing. Allele origin: germline. Affected: yes.
Comment: PM2_Mod PVS1_VStr PS2_Mod